The following is an entry in ClinVar:

ClinVar aggregate classification (germline): Uncertain significance (1 of 4 stars; one submission).

Submission:

Labcorp Genetics (formerly Invitae), Labcorp
Classification: Uncertain significance. Last evaluated: 2025-08-14. Review status: criteria provided, single submitter. Criteria: Invitae Variant Classification Sherloc (09022015). Collection method: clinical testing. Allele origin: germline.
Comment: This sequence change replaces serine, which is neutral and polar, with proline, which is neutral and non-polar, at codon 447 of the CAMK2B protein (p.Ser447Pro). The frequency data for this variant in the population databases is considered unreliable, as metrics indicate poor data quality at this position in the gnomAD database. This variant has not been reported in the literature in individuals affected with CAMK2B-related conditions. An algorithm developed to predict the effect of missense changes on protein structure and function outputs the following: PolyPhen-2: "Benign". The proline amino acid residue is found in multiple mammalian species, which suggests that this missense change does not adversely affect protein function. In summary, the available evidence is currently insufficient to determine the role of this variant in disease. Therefore, it has been classified as a Variant of Uncertain Significance.

NM_001220.5(CAMK2B):c.1339T>C (p.Ser447Pro)

Gene: CAMK2B (calcium/calmodulin dependent protein kinase II beta; minus strand). Cytogenetic location: 7p13.
Variant type: single nucleotide variant.
Coding change: c.1339T>C on transcript NM_001220.5 (MANE Select); coding-DNA position 1339, T replaced by C.
Protein change: p.Ser447Pro; replaces serine 447 with proline.
Molecular consequence: missense variant. On other transcripts: intron variant (8).
Genome position (GRCh38, 1-based): chr7:44,229,388, A>G on the plus strand (T>C on the coding strand, the complement: CAMK2B is on the minus strand). VCF-style: chr7-44229388-A-G. GRCh37 (hg19) VCF-style: chr7-44268987-A-G.
Other names: c.947-8487T>C (NM_172084.3); c.1150+1618T>C (NM_172080.3); c.1036+1618T>C (NM_172083.3); c.1108+1618T>C (NM_172081.3); c.1153+1618T>C (NM_172079.3, NM_172082.3); c.1225+1618T>C (NM_001293170.2, NM_172078.3); short protein forms S447P.
Identifiers: ClinVar variation 4780336 (VCV004780336.1).